The following is an entry in ClinVar:

NM_006269.2(RP1):c.3848G>T (p.Ser1283Ile)

Gene: RP1 (RP1 axonemal microtubule associated; plus strand). Cytogenetic location: 8q12.1.
Variant type: single nucleotide variant.
Coding change: c.3848G>T on transcript NM_006269.2 (MANE Select); coding-DNA position 3848, G replaced by T.
Protein change: p.Ser1283Ile; replaces serine 1283 with isoleucine.
Molecular consequence: missense variant. On other transcripts: intron variant (1).
Genome position (GRCh38, 1-based): chr8:54,627,730, G>T. VCF-style: chr8-54627730-G-T. GRCh37 (hg19) VCF-style: chr8-55540290-G-T.
Other names: c.787+5442G>T (NM_001375654.1); short protein forms S1283I.
Identifiers: ClinVar variation 970126 (VCV000970126.13), dbSNP rs374445605, ClinGen allele CA4751758.
Genomic context (GRCh38, chr8:54,627,730, plus strand): 5'-CTGTAAATAAGGCTTATTCTCCAAAAGAGACATGTAACCCCAGTGACACTTTTTTTCCTA[G>T]TGATGGTTATGGTGTGGATCAGACTTCTATGAATAAGGCTTGTTTCCTAGGAGAGGTCTG-3'
Protein context (NP_006260.1, residues 1273-1293): TCNPSDTFFP[Ser1283Ile]DGYGVDQTSM

ClinVar aggregate classification (germline): Uncertain significance. Review status: criteria provided, multiple submitters, no conflicts (2 of 4 stars). 4 submissions from 4 submitters: Uncertain significance (4). Last evaluated 2026-05-26.

Conditions:
Inborn genetic diseases. Identifiers: MedGen C0950123, MeSH D030342.
RP1-related disorder. Also called: RP1-related condition.

Allele frequency attached by ClinVar (database versions not stated): ExAC 0.00001; gnomAD exomes 0.00002; TOPMed 0.00003; gnomAD 0.00004; ESP Exome Variant Server 0.00008.
gnomAD v4.1: 33 of 1,614,012 alleles (0.002%); highest among the groups gnomAD compares: Non-Finnish European, 0.0025%; no homozygotes.

Submissions (4):

PreventionGenetics, part of Exact Sciences
Classification: Uncertain significance for RP1-related condition. Last evaluated: 2026-05-26. Review status: criteria provided, single submitter. Criteria: ACMG Guidelines, 2015. Collection method: clinical testing. Allele origin: germline.
Comment: The RP1 c.3848G>T variant is predicted to result in the amino acid substitution p.Ser1283Ile. To our knowledge, this variant has not been reported in the literature. This variant is present in 0.0026% of alleles in individuals of European (Non-Finnish) descent in gnomAD. At this time, the clinical significance of this variant is uncertain due to the absence of conclusive functional and genetic evidence.

Blueprint Genetics
Classification: Uncertain significance. Last evaluated: 2024-09-19. Review status: criteria provided, single submitter. Criteria: ACMG Guidelines, 2015. Collection method: clinical testing. Allele origin: germline.

Labcorp Genetics (formerly Invitae), Labcorp
Classification: Uncertain significance. Last evaluated: 2024-03-01. Review status: criteria provided, single submitter. Criteria: Invitae Variant Classification Sherloc (09022015). Collection method: clinical testing. Allele origin: germline.
Comment: This sequence change replaces serine, which is neutral and polar, with isoleucine, which is neutral and non-polar, at codon 1283 of the RP1 protein (p.Ser1283Ile). This variant is present in population databases (rs374445605, gnomAD 0.002%). This variant has not been reported in the literature in individuals affected with RP1-related conditions. ClinVar contains an entry for this variant (Variation ID: 970126). Algorithms developed to predict the effect of missense changes on protein structure and function output the following: SIFT: "Not Available"; PolyPhen-2: "Benign"; Align-GVGD: "Not Available". The isoleucine amino acid residue is found in multiple mammalian species, which suggests that this missense change does not adversely affect protein function. In summary, the available evidence is currently insufficient to determine the role of this variant in disease. Therefore, it has been classified as a Variant of Uncertain Significance.

Ambry Genetics
Classification: Uncertain significance for Inborn genetic diseases. Last evaluated: 2024-01-23. Review status: criteria provided, single submitter. Criteria: Ambry Variant Classification Scheme 2023. Collection method: clinical testing. Allele origin: germline.